The following is an entry in ClinVar:

NM_022489.4(INF2):c.2989G>A (p.Asp997Asn)

Gene: INF2 (inverted formin 2; plus strand). Cytogenetic location: 14q32.33.
Variant type: single nucleotide variant.
Coding change: c.2989G>A on transcript NM_022489.4 (MANE Select); coding-DNA position 2989, G replaced by A.
Protein change: p.Asp997Asn; replaces aspartic acid 997 with asparagine.
Molecular consequence: missense variant.
Genome position (GRCh38, 1-based): chr14:104,713,555, G>A. VCF-style: chr14-104713555-G-A. GRCh37 (hg19) VCF-style: chr14-105179892-G-A.
Other names: c.2989G>A, p.Asp997Asn (NM_001031714.4); short protein forms D997N.
Identifiers: ClinVar variation 540041 (VCV000540041.19), dbSNP rs370719592, ClinGen allele CA7373145.

ClinVar aggregate classification (germline): Conflicting classifications of pathogenicity. Review status: criteria provided, conflicting classifications (1 of 4 stars). 4 submissions from 4 submitters: Uncertain significance (2); Likely benign (2). Last evaluated 2025-12-01.

Conditions:
INF2-related disorder. Also called: INF2-related condition.
Focal segmental glomerulosclerosis 5 (FSGS5). Identifiers: Orphanet 656, MedGen C2750475, MONDO:0013191, OMIM 613237.
Charcot-Marie-Tooth disease dominant intermediate E. Also called: CHARCOT-MARIE-TOOTH NEUROPATHY WITH FOCAL SEGMENTAL GLOMERULONEPHRITIS. Identifiers: Orphanet 93114, MedGen C4302667, MONDO:0013758, OMIM 614455.
Inborn genetic diseases. Identifiers: MedGen C0950123, MeSH D030342.

Allele frequency attached by ClinVar (database versions not stated): gnomAD 0.00001 and 0.00003; gnomAD exomes 0.00004 and 0.00006; TOPMed 0.00006; ESP Exome Variant Server 0.00008; ExAC 0.00009.
gnomAD v4.1: 58 of 1,612,088 alleles (0.0036%); highest among the groups gnomAD compares: Non-Finnish European, 0.0036%; no homozygotes.

Submissions (4):

PreventionGenetics, part of Exact Sciences
Classification: Uncertain significance for INF2-related condition. Last evaluated: 2025-12-01. Review status: criteria provided, single submitter. Criteria: ACMG Guidelines, 2015. Collection method: clinical testing. Allele origin: germline.
Comment: The INF2 c.2989G>A variant is predicted to result in the amino acid substitution p.Asp997Asn. To our knowledge, this variant has not been reported in the literature. This variant is reported in 0.029% of alleles in individuals of Ashkenazi Jewish descent in gnomAD. Although we suspect that this variant may be benign, at this time, the clinical significance of this variant is uncertain due to the absence of conclusive functional and genetic evidence.

Labcorp Genetics (formerly Invitae), Labcorp
Classification: Likely benign for Charcot-Marie-Tooth disease dominant intermediate E; Focal segmental glomerulosclerosis 5. Last evaluated: 2023-11-24. Review status: criteria provided, single submitter. Criteria: Invitae Variant Classification Sherloc (09022015). Collection method: clinical testing. Allele origin: germline.

Ambry Genetics
Classification: Likely benign for Inborn genetic diseases. Last evaluated: 2020-06-26. Review status: criteria provided, single submitter. Criteria: Ambry Variant Classification Scheme 2023. Collection method: clinical testing. Allele origin: germline.

ARUP Laboratories, Molecular Genetics and Genomics, ARUP Laboratories
Classification: Uncertain significance. Last evaluated: 2020-02-10. Review status: criteria provided, single submitter. Criteria: ARUP Molecular Germline Variant Investigation Process. Collection method: clinical testing. Allele origin: germline.
Comment: The INF2 c.2989G>A; p.Asp997Asn variant (rs370719592), to our knowledge, is not reported in the medical literature but is reported in ClinVar (Variation ID: 540041). This variant is found in the general population with an overall allele frequency of 0.01% (16/277120 alleles) in the Genome Aggregation Database. The aspartate at codon 997 is weakly conserved, and computational analyses (SIFT, PolyPhen-2) predict that this variant is tolerated. However, due to limited information, the clinical significance of the p.Asp997Asn variant is uncertain at this time.